The following is an entry in ClinVar:

ClinVar aggregate classification (germline): Uncertain significance. Review status: criteria provided, multiple submitters, no conflicts (2 of 4 stars). 6 submissions from 6 submitters: Uncertain significance (6). Last evaluated 2025-09-23.

Conditions:
Nephronophthisis. Also called: Juvenile Nephronophthisis. Identifiers: Orphanet 655, MedGen C0687120, MONDO:0019005, HP:0000090.
NPHP4-related disorder. Also called: NPHP4-related disorders; NPHP4-related condition. Identifiers: MedGen CN239384.
Senior-Loken syndrome 4 (SLSN4). Identifiers: Orphanet 3156, MedGen C1846979, MONDO:0011756, OMIM 606996.
Nephronophthisis 4 (NPHP4). Also called: NEPHRONOPHTHISIS 4, JUVENILE. Identifiers: Orphanet 655, MedGen C1847013, MONDO:0011752, OMIM 606966.
Inborn genetic diseases. Identifiers: MedGen C0950123, MeSH D030342.

Allele frequency attached by ClinVar (database versions not stated): ExAC 0.00004; gnomAD exomes 0.00004 and 0.00002; gnomAD 0.00005; TOPMed 0.00002.
gnomAD v4.1: 36 of 1,613,548 alleles (0.0022%); highest among the groups gnomAD compares: East Asian, 0.018%; no homozygotes.

Submissions (6):

PreventionGenetics, part of Exact Sciences
Classification: Uncertain significance for NPHP4-related condition. Last evaluated: 2025-09-23. Review status: criteria provided, single submitter. Criteria: ACMG Guidelines, 2015. Collection method: clinical testing. Allele origin: germline.
Comment: The NPHP4 c.3757C>T variant is predicted to result in the amino acid substitution p.Arg1253Trp. To our knowledge, this variant has not been reported in the literature. This variant is present in 0.021% of alleles in individuals of African descent in gnomAD. At this time, the clinical significance of this variant is uncertain due to the absence of conclusive functional and genetic evidence.

Blueprint Genetics
Classification: Uncertain significance. Last evaluated: 2024-11-24. Review status: criteria provided, single submitter. Criteria: ACMG Guidelines, 2015. Collection method: clinical testing. Allele origin: germline.

Ambry Genetics
Classification: Uncertain significance for Inborn genetic diseases. Last evaluated: 2023-05-22. Review status: criteria provided, single submitter. Criteria: Ambry Variant Classification Scheme 2023. Collection method: clinical testing. Allele origin: germline.

Labcorp Genetics (formerly Invitae), Labcorp
Classification: Uncertain significance for Nephronophthisis. Last evaluated: 2022-07-19. Review status: criteria provided, single submitter. Criteria: Invitae Variant Classification Sherloc (09022015). Collection method: clinical testing. Allele origin: germline.
Comment: This sequence change replaces arginine, which is basic and polar, with tryptophan, which is neutral and slightly polar, at codon 1253 of the NPHP4 protein (p.Arg1253Trp). This variant is present in population databases (rs762195159, gnomAD 0.02%). This variant has not been reported in the literature in individuals affected with NPHP4-related conditions. ClinVar contains an entry for this variant (Variation ID: 286539). Algorithms developed to predict the effect of missense changes on protein structure and function are either unavailable or do not agree on the potential impact of this missense change (SIFT: "Deleterious"; PolyPhen-2: "Probably Damaging"; Align-GVGD: "Class C0"). In summary, the available evidence is currently insufficient to determine the role of this variant in disease. Therefore, it has been classified as a Variant of Uncertain Significance.

Fulgent Genetics
Classification: Uncertain significance for Nephronophthisis 4; Senior-Loken syndrome 4. Last evaluated: 2021-11-16. Review status: criteria provided, single submitter. Criteria: ACMG Guidelines, 2015. Collection method: clinical testing. Allele origin: unknown.

Eurofins Ntd Llc (ga)
Classification: Uncertain significance. Last evaluated: 2016-02-25. Review status: criteria provided, single submitter. Criteria: EGL Classification Definitions 2015. Collection method: clinical testing. Allele origin: germline. Observed: 1 variant allele, 1 heterozygote.

NM_015102.5(NPHP4):c.3757C>T (p.Arg1253Trp)

Gene: NPHP4 (nephrocystin 4; minus strand). Cytogenetic location: 1p36.31.
Variant type: single nucleotide variant.
Coding change: c.3757C>T on transcript NM_015102.5 (MANE Select); coding-DNA position 3757, C replaced by T.
Protein change: p.Arg1253Trp; replaces arginine 1253 with tryptophan.
Molecular consequence: missense variant. On other transcripts: non-coding transcript variant (1).
Genome position (GRCh38, 1-based): chr1:5,865,161, G>A on the plus strand (C>T on the coding strand, the complement: NPHP4 is on the minus strand). VCF-style: chr1-5865161-G-A. GRCh37 (hg19) VCF-style: chr1-5925221-G-A.
Other names: c.2218C>T, p.Arg740Trp (NM_001291593.2); c.2221C>T, p.Arg741Trp (NM_001291594.2); c.3757C>T (NM_015102.3); short protein forms R1253W, R741W, R740W.
Identifiers: ClinVar variation 286539 (VCV000286539.14), dbSNP rs762195159, ClinGen allele CA553481.